The following is an entry in ClinVar:

ClinVar aggregate classification (germline): Uncertain significance (1 of 4 stars; one submission).

Allele frequency attached by ClinVar (database versions not stated): gnomAD 0.00001; gnomAD exomes 0.00001; TOPMed 0.00001.
gnomAD v4.1: 9 of 1,613,302 alleles (0.00056%); highest among the groups gnomAD compares: Non-Finnish European, 0.00076%; no homozygotes.

Submission:

Labcorp Genetics (formerly Invitae), Labcorp
Classification: Uncertain significance. Last evaluated: 2024-07-01. Review status: criteria provided, single submitter. Criteria: Invitae Variant Classification Sherloc (09022015). Collection method: clinical testing. Allele origin: germline.
Comment: This sequence change replaces serine with proline at codon 148 of the LTBP4 protein (p.Ser148Pro). The serine residue is moderately conserved and there is a moderate physicochemical difference between serine and proline. This variant is present in population databases (no rsID available, gnomAD 0.002%). This variant has not been reported in the literature in individuals affected with LTBP4-related conditions. ClinVar contains an entry for this variant (Variation ID: 1493699). Experimental studies and prediction algorithms are not available or were not evaluated, and the functional significance of this variant is currently unknown. In summary, the available evidence is currently insufficient to determine the role of this variant in disease. Therefore, it has been classified as a Variant of Uncertain Significance.

NM_001042545.2(LTBP4):c.352T>C (p.Ser118Pro)

Gene: LTBP4 (latent transforming growth factor beta binding protein 4; plus strand). Cytogenetic location: 19q13.2.
Variant type: single nucleotide variant.
Coding change: c.352T>C on transcript NM_001042545.2 (MANE Select); coding-DNA position 352, T replaced by C.
Protein change: p.Ser118Pro; replaces serine 118 with proline.
Molecular consequence: missense variant.
Genome position (GRCh38, 1-based): chr19:40,605,136, T>C. VCF-style: chr19-40605136-T-C. GRCh37 (hg19) VCF-style: chr19-41111042-T-C.
Other names: c.553T>C, p.Ser185Pro (NM_001042544.1); c.442T>C, p.Ser148Pro (NM_003573.2); short protein forms S118P, S185P, S148P.
Identifiers: ClinVar variation 1493699 (VCV001493699.5), dbSNP rs1280152516, ClinGen allele CA405932869.